The following is an entry in ClinVar:

NM_177438.3(DICER1):c.1541A>G (p.Asn514Ser)

Gene: DICER1 (dicer 1, ribonuclease III; minus strand). Cytogenetic location: 14q32.13.
Variant type: single nucleotide variant.
Coding change: c.1541A>G on transcript NM_177438.3 (MANE Select); coding-DNA position 1541, A replaced by G.
Protein change: p.Asn514Ser; replaces asparagine 514 with serine.
Molecular consequence: missense variant. On other transcripts: non-coding transcript variant (6), intron variant (1).
Genome position (GRCh38, 1-based): chr14:95,116,664, T>C on the plus strand (A>G on the coding strand, the complement: DICER1 is on the minus strand). VCF-style: chr14-95116664-T-C. GRCh37 (hg19) VCF-style: chr14-95583001-T-C.
Other names: c.1541A>G, p.Asn514Ser (NM_001195573.1, NM_001271282.3, NM_001291628.2 and 13 more transcripts); c.1259A>G, p.Asn420Ser (NM_001395686.1); c.1136A>G, p.Asn379Ser (NM_001395687.1, NM_001395688.1, NM_001395689.1 and 3 more transcripts); c.974A>G, p.Asn325Ser (NM_001395691.1); c.-59-84A>G (NM_001395697.1); short protein forms N325S, N379S, N420S, N514S.
Identifiers: ClinVar variation 3229315 (VCV003229315.2), dbSNP rs750188806, ClinGen allele CA7331453.

ClinVar aggregate classification (germline): Uncertain significance. Review status: criteria provided, multiple submitters, no conflicts (2 of 4 stars). 2 submissions from 2 submitters: Uncertain significance (2). Last evaluated 2023-12-26.

Conditions:
Global developmental delay - lung cysts - overgrowth - Wilms tumor syndrome. Also called: GLOBAL DEVELOPMENTAL DELAY, LUNG CYSTS, OVERGROWTH, AND WILMS TUMOR; GLOW Syndrome. Identifiers: Orphanet 404476, MedGen C4748924, MONDO:0018445, OMIM 618272.
Hereditary cancer-predisposing syndrome. Also called: Neoplastic Syndromes, Hereditary; Tumor predisposition; Hereditary neoplastic syndrome; Hereditary Cancer Syndrome. Identifiers: Orphanet 140162, MedGen C0027672, MeSH D009386, MONDO:0015356.

Allele frequency attached by ClinVar (database versions not stated): gnomAD exomes below 0.00001; ExAC 0.00002.
gnomAD v4.1: 2 of 1,613,406 alleles (0.00012%); highest among the groups gnomAD compares: Non-Finnish European, 0.000085%; no homozygotes.

Submissions (2):

Baylor Genetics
Classification: Uncertain significance for Global developmental delay - lung cysts - overgrowth - Wilms tumor syndrome. Last evaluated: 2023-12-26. Review status: criteria provided, single submitter. Criteria: ACMG Guidelines, 2015. Collection method: clinical testing. Allele origin: unknown.

Ambry Genetics
Classification: Uncertain significance for Hereditary cancer-predisposing syndrome. Last evaluated: 2023-12-14. Review status: criteria provided, single submitter. Criteria: Ambry Variant Classification Scheme 2023. Collection method: clinical testing. Allele origin: germline.
Comment: The p.N514S variant (also known as c.1541A>G), located in coding exon 9 of the DICER1 gene, results from an A to G substitution at nucleotide position 1541. The asparagine at codon 514 is replaced by serine, an amino acid with highly similar properties. This amino acid position is conserved. In addition, the in silico prediction for this alteration is inconclusive. Since supporting evidence is limited at this time, the clinical significance of this alteration remains unclear.